The following is an entry in ClinVar:

NM_001378030.1(CCDC78):c.827C>T (p.Ala276Val)

Gene: CCDC78 (coiled-coil domain containing 78; minus strand). Cytogenetic location: 16p13.3.
Variant type: single nucleotide variant.
Coding change: c.827C>T on transcript NM_001378030.1 (MANE Select); coding-DNA position 827, C replaced by T.
Protein change: p.Ala276Val; replaces alanine 276 with valine.
Molecular consequence: missense variant. On other transcripts: non-coding transcript variant (5).
Genome position (GRCh38, 1-based): chr16:724,448, G>A on the plus strand (C>T on the coding strand, the complement: CCDC78 is on the minus strand). VCF-style: chr16-724448-G-A. GRCh37 (hg19) VCF-style: chr16-774448-G-A.
Other names: c.827C>T, p.Ala276Val (NM_001031737.3, NM_001378031.1); c.260C>T, p.Ala87Val (NM_001378033.1); short protein forms A276V, A87V.
Identifiers: ClinVar variation 707302 (VCV000707302.12), dbSNP rs562625664, ClinGen allele CA7789387.

ClinVar aggregate classification (germline): Likely benign. Review status: criteria provided, single submitter (1 of 4 stars). 2 submissions from 2 submitters: Likely benign (1). 1 of the submissions does not count toward it. Last evaluated 2025-09-08.

Conditions:
CCDC78-related disorder. Also called: CCDC78-related condition.
Congenital myopathy with internal nuclei and atypical cores. Also called: Myopathy, centronuclear, 4. Identifiers: Orphanet 319160, MedGen C4707232, MONDO:0013890, OMIM 614807.

Allele frequency attached by ClinVar (database versions not stated): gnomAD 0.00001 and 0.00021; TOPMed 0.00004; 1000 Genomes Project 0.00040; 1000 Genomes Project 30x 0.00047; gnomAD exomes 0.00081; ExAC 0.00097.

Submissions (2):

Labcorp Genetics (formerly Invitae), Labcorp
Classification: Likely benign for Congenital myopathy with internal nuclei and atypical cores. Last evaluated: 2025-09-08. Review status: criteria provided, single submitter. Criteria: Invitae Variant Classification Sherloc (09022015). Collection method: clinical testing. Allele origin: germline.

PreventionGenetics, part of Exact Sciences
Classification: Likely benign for CCDC78-related condition. Last evaluated: 2019-06-24. Review status: no assertion criteria provided. Collection method: clinical testing. Allele origin: germline. Not counted in ClinVar's aggregate classification.
Comment: This variant is classified as likely benign based on ACMG/AMP sequence variant interpretation guidelines (Richards et al. 2015 PMID: 25741868, with internal and published modifications).